The following is an entry in ClinVar:

ClinVar aggregate classification (germline): Uncertain significance. Review status: criteria provided, multiple submitters, no conflicts (2 of 4 stars). 2 submissions from 2 submitters: Uncertain significance (2). Last evaluated 2024-01-06.

Submissions (2):

Labcorp Genetics (formerly Invitae), Labcorp
Classification: Uncertain significance. Last evaluated: 2024-01-06. Review status: criteria provided, single submitter. Criteria: Invitae Variant Classification Sherloc (09022015). Collection method: clinical testing. Allele origin: germline.
Comment: This sequence change replaces arginine, which is basic and polar, with threonine, which is neutral and polar, at codon 406 of the TBCE protein (p.Arg406Thr). This variant is not present in population databases (gnomAD no frequency). This variant has not been reported in the literature in individuals affected with TBCE-related conditions. An algorithm developed to predict the effect of missense changes on protein structure and function (PolyPhen-2) suggests that this variant is likely to be tolerated. In summary, the available evidence is currently insufficient to determine the role of this variant in disease. Therefore, it has been classified as a Variant of Uncertain Significance.

Blueprint Genetics
Classification: Uncertain significance. Last evaluated: 2018-08-15. Review status: criteria provided, single submitter. Criteria: ACMG Guidelines, 2015. Collection method: clinical testing. Allele origin: germline.

NM_003193.5(TBCE):c.1217G>C (p.Arg406Thr)

Gene: TBCE (tubulin folding cofactor E; plus strand). Cytogenetic location: 1q42.3.
Variant type: single nucleotide variant.
Coding change: c.1217G>C on transcript NM_003193.5 (MANE Select); coding-DNA position 1217, G replaced by C.
Protein change: p.Arg406Thr; replaces arginine 406 with threonine.
Molecular consequence: missense variant.
Genome position (GRCh38, 1-based): chr1:235,438,869, G>C. VCF-style: chr1-235438869-G-C. GRCh37 (hg19) VCF-style: chr1-235602184-G-C.
Other names: c.1217G>C, p.Arg406Thr (NM_001079515.3); c.1370G>C, p.Arg457Thr (NM_001287801.2); c.878G>C, p.Arg293Thr (NM_001287802.2); short protein forms R293T, R457T, R406T.
Identifiers: ClinVar variation 2884257 (VCV002884257.4), dbSNP rs2527051407, ClinGen allele CA344945471.